The following is an entry in ClinVar:

ClinVar aggregate classification (germline): Conflicting classifications of pathogenicity. Review status: criteria provided, conflicting classifications (1 of 4 stars). 3 submissions from 3 submitters: Uncertain significance (2); Likely benign (1). Last evaluated 2025-10-14.

Conditions:
Autosomal dominant hypocalcemia 1 (HYPOC1). Also called: HYPOCALCEMIA, FAMILIAL. Identifiers: MedGen C3715128, MONDO:0011013, OMIM 601198.
Familial hypocalciuric hypercalcemia (FHH). Also called: Familial benign hypercalcemia. Identifiers: Orphanet 405, MedGen C1809471, MONDO:0018458.
Nephrolithiasis/nephrocalcinosis. Identifiers: MedGen CN580796.
Familial hypocalciuric hypercalcemia 1. Also called: Hypercalcemia, familial benign type 1. Identifiers: Orphanet 405, Orphanet 93372, MedGen C0342637, MONDO:0007791, OMIM 145980.
Neonatal severe primary hyperparathyroidism. Identifiers: Orphanet 417, MedGen C1832615, MONDO:0009397, OMIM 239200.
Epilepsy, idiopathic generalized, susceptibility to, 8. Identifiers: MedGen C2752062, MONDO:0013032, OMIM 612899.

Allele frequency attached by ClinVar (database versions not stated): ExAC 0.00002.
gnomAD v4.1: 5 of 1,614,112 alleles (0.00031%); highest among the groups gnomAD compares: Admixed American, 0.0083%; no homozygotes.

Submissions (3):

Labcorp Genetics (formerly Invitae), Labcorp
Classification: Uncertain significance for Familial hypocalciuric hypercalcemia; Autosomal dominant hypocalcemia 1. Last evaluated: 2025-10-14. Review status: criteria provided, single submitter. Criteria: Invitae Variant Classification Sherloc (09022015). Collection method: clinical testing. Allele origin: germline.
Comment: This sequence change replaces leucine, which is neutral and non-polar, with isoleucine, which is neutral and non-polar, at codon 1014 of the CASR protein (p.Leu1014Ile). This variant is present in population databases (rs202219108, gnomAD 0.01%). This variant has not been reported in the literature in individuals affected with CASR-related conditions. ClinVar contains an entry for this variant (Variation ID: 1444896). An algorithm developed to predict the effect of missense changes on protein structure and function (PolyPhen-2) suggests that this variant is likely to be tolerated. In summary, the available evidence is currently insufficient to determine the role of this variant in disease. Therefore, it has been classified as a Variant of Uncertain Significance.

Fulgent Genetics
Classification: Uncertain significance for Familial hypocalciuric hypercalcemia 1; Neonatal severe primary hyperparathyroidism; Autosomal dominant hypocalcemia 1; Epilepsy, idiopathic generalized, susceptibility to, 8. Last evaluated: 2024-01-12. Review status: criteria provided, single submitter. Criteria: ACMG Guidelines, 2015. Collection method: clinical testing. Allele origin: germline.

Ambry Genetics
Classification: Likely benign for Nephrolithiasis/nephrocalcinosis. Last evaluated: 2022-04-23. Review status: criteria provided, single submitter. Criteria: Ambry Variant Classification Scheme 2023. Collection method: clinical testing. Allele origin: germline.

NM_000388.4(CASR):c.3040C>A (p.Leu1014Ile)

Gene: CASR (calcium sensing receptor; plus strand). Cytogenetic location: 3q21.1.
Variant type: single nucleotide variant.
Coding change: c.3040C>A on transcript NM_000388.4 (MANE Select); coding-DNA position 3040, C replaced by A.
Protein change: p.Leu1014Ile; replaces leucine 1014 with isoleucine.
Molecular consequence: missense variant.
Genome position (GRCh38, 1-based): chr3:122,284,994, C>A. VCF-style: chr3-122284994-C-A. GRCh37 (hg19) VCF-style: chr3-122003841-C-A.
Other names: c.3070C>A, p.Leu1024Ile (NM_001178065.2); short protein forms L1014I, L1024I.
Identifiers: ClinVar variation 1444896 (VCV001444896.11), dbSNP rs202219108, ClinGen allele CA2569920.